The following is an entry in ClinVar:

NM_130811.4(SNAP25):c.103C>A (p.Leu35Met)

Gene: SNAP25 (synaptosome associated protein 25; plus strand). Cytogenetic location: 20p12.2.
Variant type: single nucleotide variant.
Coding change: c.103C>A on transcript NM_130811.4 (MANE Select); coding-DNA position 103, C replaced by A.
Protein change: p.Leu35Met; replaces leucine 35 with methionine.
Molecular consequence: missense variant.
Genome position (GRCh38, 1-based): chr20:10,277,715, C>A. VCF-style: chr20-10277715-C-A. GRCh37 (hg19) VCF-style: chr20-10258363-C-A.
Other names: c.103C>A, p.Leu35Met (NM_001322902.2, NM_001322903.2, NM_001322904.2 and 7 more transcripts); short protein forms L35M.
Identifiers: ClinVar variation 2186309 (VCV002186309.4), dbSNP rs1415058260, ClinGen allele CA408265382.

ClinVar aggregate classification (germline): Uncertain significance (1 of 4 stars; one submission).

Conditions:
Congenital myasthenic syndrome 18. Also called: MYASTHENIC SYNDROME, CONGENITAL, 18, WITH INTELLECTUAL DISABILITY AND ATAXIA. Identifiers: Orphanet 590, MedGen C4225364, MONDO:0014590, OMIM 616330.

Allele frequency attached by ClinVar (database versions not stated): gnomAD exomes below 0.00001; TOPMed below 0.00001; gnomAD 0.00001.
gnomAD v4.1: 4 of 1,613,664 alleles (0.00025%); highest among the groups gnomAD compares: African/African-American, 0.0053%; no homozygotes.

Submission:

Labcorp Genetics (formerly Invitae), Labcorp
Classification: Uncertain significance for Congenital myasthenic syndrome 18. Last evaluated: 2023-08-18. Review status: criteria provided, single submitter. Criteria: Invitae Variant Classification Sherloc (09022015). Collection method: clinical testing. Allele origin: germline.
Comment: This sequence change replaces leucine, which is neutral and non-polar, with methionine, which is neutral and non-polar, at codon 35 of the SNAP25 protein (p.Leu35Met). This variant is present in population databases (no rsID available, gnomAD 0.008%). This variant has not been reported in the literature in individuals affected with SNAP25-related conditions. ClinVar contains an entry for this variant (Variation ID: 2186309). An algorithm developed to predict the effect of missense changes on protein structure and function (PolyPhen-2) suggests that this variant is likely to be tolerated. In summary, the available evidence is currently insufficient to determine the role of this variant in disease. Therefore, it has been classified as a Variant of Uncertain Significance.